The following is an entry in ClinVar:

ClinVar aggregate classification (germline): Uncertain significance (1 of 4 stars; one submission).

Conditions:
Autosomal dominant limb-girdle muscular dystrophy type 1G (LGMDD3). Also called: Limb-girdle muscular dystrophy, type 1G; MUSCULAR DYSTROPHY, LIMB-GIRDLE, AUTOSOMAL DOMINANT 3. Identifiers: Orphanet 55596, MedGen C1836765, MONDO:0012193, OMIM 609115.

gnomAD v4.1: 11 of 1,547,540 alleles (0.00071%); highest among the groups gnomAD compares: South Asian, 0.0012%; no homozygotes.

Submission:

Labcorp Genetics (formerly Invitae), Labcorp
Classification: Uncertain significance for Autosomal dominant limb-girdle muscular dystrophy type 1G. Last evaluated: 2025-04-01. Review status: criteria provided, single submitter. Criteria: Invitae Variant Classification Sherloc (09022015). Collection method: clinical testing. Allele origin: germline.
Comment: This sequence change replaces glutamine, which is neutral and polar, with arginine, which is basic and polar, at codon 64 of the HNRNPDL protein (p.Gln64Arg). This variant is not present in population databases (gnomAD no frequency). This variant has not been reported in the literature in individuals affected with HNRNPDL-related conditions. ClinVar contains an entry for this variant (Variation ID: 1051825). An algorithm developed to predict the effect of missense changes on protein structure and function (PolyPhen-2) suggests that this variant is likely to be tolerated. In summary, the available evidence is currently insufficient to determine the role of this variant in disease. Therefore, it has been classified as a Variant of Uncertain Significance.

NM_031372.4(HNRNPDL):c.191A>G (p.Gln64Arg)

Gene: HNRNPDL (heterogeneous nuclear ribonucleoprotein D like; minus strand). Cytogenetic location: 4q21.22.
Variant type: single nucleotide variant.
Coding change: c.191A>G on transcript NM_031372.4 (MANE Select); coding-DNA position 191, A replaced by G.
Protein change: p.Gln64Arg; replaces glutamine 64 with arginine.
Molecular consequence: missense variant. On other transcripts: non-coding transcript variant (1).
Genome position (GRCh38, 1-based): chr4:82,429,500, T>C on the plus strand (A>G on the coding strand, the complement: HNRNPDL is on the minus strand). VCF-style: chr4-82429500-T-C. GRCh37 (hg19) VCF-style: chr4-83350653-T-C.
Other names: c.191A>G, p.Gln64Arg (NM_001207000.1); short protein forms Q64R.
Identifiers: ClinVar variation 1051825 (VCV001051825.9), dbSNP rs1480719617, ClinGen allele CA357172836.